The following is an entry in ClinVar:

NM_002890.3(RASA1):c.2766A>T (p.Pro922=)

Genes: CCNH (cyclin H; minus strand), RASA1 (RAS p21 protein activator 1; plus strand). Cytogenetic location: 5q14.3.
Variant type: single nucleotide variant.
Coding change: c.2766A>T on transcript NM_002890.3 (MANE Select); coding-DNA position 2766, A replaced by T.
Protein change: p.Pro922=; no amino-acid change (proline 922 retained).
Molecular consequence: synonymous variant. On other transcripts: intron variant (1).
Genome position (GRCh38, 1-based): chr5:87,385,308, A>T. VCF-style: chr5-87385308-A-T. GRCh37 (hg19) VCF-style: chr5-86681125-A-T.
Other names: c.2235A>T, p.Pro745= (NM_022650.3); c.933+9736T>A (NM_001364075.2).
Identifiers: ClinVar variation 699856 (VCV000699856.17), dbSNP rs137898246, ClinGen allele CA3336110.

ClinVar aggregate classification (germline): Benign/Likely benign. Review status: criteria provided, multiple submitters, no conflicts (2 of 4 stars). 4 submissions from 4 submitters: Benign (1); Likely benign (2). 1 of the submissions does not count toward it. Last evaluated 2026-02-01.

Conditions:
Cardiovascular phenotype. Identifiers: MedGen CN230736.
Capillary malformation-arteriovenous malformation syndrome. Also called: Capillary malformation-arteriovenous malformation. Identifiers: Orphanet 137667, MedGen C1842180, MONDO:0012016.
RASA1-related disorder. Also called: RASA1-related condition.

Allele frequency attached by ClinVar (database versions not stated): gnomAD 0.00025; ESP Exome Variant Server 0.00038; TOPMed 0.00028.
gnomAD v4.1: 66 of 1,605,638 alleles (0.0041%); highest among the groups gnomAD compares: African/African-American, 0.083%; no homozygotes.

Submissions (4):

Labcorp Genetics (formerly Invitae), Labcorp
Classification: Likely benign for Capillary malformation-arteriovenous malformation syndrome. Last evaluated: 2026-02-01. Review status: criteria provided, single submitter. Criteria: Invitae Variant Classification Sherloc (09022015). Collection method: clinical testing. Allele origin: germline.

Ambry Genetics
Classification: Likely benign for Cardiovascular phenotype. Last evaluated: 2022-07-23. Review status: criteria provided, single submitter. Criteria: Ambry Variant Classification Scheme 2023. Collection method: clinical testing. Allele origin: germline.

GeneDx
Classification: Benign. Last evaluated: 2021-10-27. Review status: criteria provided, single submitter. Criteria: GeneDx Variant Classification Process June 2021. Collection method: clinical testing. Allele origin: germline. Affected: yes.

PreventionGenetics, part of Exact Sciences
Classification: Likely benign for RASA1-related condition. Last evaluated: 2019-06-19. Review status: no assertion criteria provided. Collection method: clinical testing. Allele origin: germline. Not counted in ClinVar's aggregate classification.
Comment: This variant is classified as likely benign based on ACMG/AMP sequence variant interpretation guidelines (Richards et al. 2015 PMID: 25741868, with internal and published modifications).